The following is an entry in ClinVar:

ClinVar aggregate classification (germline): Uncertain significance. Review status: criteria provided, multiple submitters, no conflicts (2 of 4 stars). 2 submissions from 2 submitters: Uncertain significance (2). Last evaluated 2024-02-14.

Conditions:
Inborn genetic diseases. Identifiers: MedGen C0950123, MeSH D030342.
Megalencephaly-polymicrogyria-postaxial polydactyly-hydrocephalus syndrome. Also called: MPPH Syndrome; MEG-PMG-MEGACC SYNDROME. Identifiers: Orphanet 83473, MedGen C1863924, MONDO:0019375.

Allele frequency attached by ClinVar (database versions not stated): TOPMed 0.00001; gnomAD 0.00002; gnomAD exomes 0.00003; ExAC 0.00009.
gnomAD v4.1: 44 of 1,499,298 alleles (0.0029%); highest among the groups gnomAD compares: East Asian, 0.013%; no homozygotes.

Submissions (2):

Labcorp Genetics (formerly Invitae), Labcorp
Classification: Uncertain significance for Megalencephaly-polymicrogyria-postaxial polydactyly-hydrocephalus syndrome. Last evaluated: 2024-02-14. Review status: criteria provided, single submitter. Criteria: Invitae Variant Classification Sherloc (09022015). Collection method: clinical testing. Allele origin: germline.
Comment: This sequence change replaces arginine, which is basic and polar, with glutamine, which is neutral and polar, at codon 85 of the PIK3R2 protein (p.Arg85Gln). The frequency data for this variant in the population databases is considered unreliable, as metrics indicate poor data quality at this position in the gnomAD database. This variant has not been reported in the literature in individuals affected with PIK3R2-related conditions. ClinVar contains an entry for this variant (Variation ID: 2312088). Advanced modeling of protein sequence and biophysical properties (such as structural, functional, and spatial information, amino acid conservation, physicochemical variation, residue mobility, and thermodynamic stability) performed at Invitae indicates that this missense variant is not expected to disrupt PIK3R2 protein function with a negative predictive value of 95%. In summary, the available evidence is currently insufficient to determine the role of this variant in disease. Therefore, it has been classified as a Variant of Uncertain Significance.

Ambry Genetics
Classification: Uncertain significance for Inborn genetic diseases. Last evaluated: 2022-09-14. Review status: criteria provided, single submitter. Criteria: Ambry Variant Classification Scheme 2023. Collection method: clinical testing. Allele origin: germline.

NM_005027.4(PIK3R2):c.254G>A (p.Arg85Gln)

Gene: PIK3R2 (phosphoinositide-3-kinase regulatory subunit 2; plus strand). Cytogenetic location: 19p13.11.
Variant type: single nucleotide variant.
Coding change: c.254G>A on transcript NM_005027.4 (MANE Select); coding-DNA position 254, G replaced by A.
Protein change: p.Arg85Gln; replaces arginine 85 with glutamine.
Molecular consequence: missense variant. On other transcripts: non-coding transcript variant (2).
Genome position (GRCh38, 1-based): chr19:18,156,133, G>A. VCF-style: chr19-18156133-G-A. GRCh37 (hg19) VCF-style: chr19-18266943-G-A.
Other names: short protein forms R85Q.
Identifiers: ClinVar variation 2312088 (VCV002312088.4), dbSNP rs760416536, ClinGen allele CA9306670.